The following is an entry in ClinVar:

NM_000238.4(KCNH2):c.1609C>T (p.Arg537Trp)

Gene: KCNH2 (potassium voltage-gated channel subfamily H member 2; minus strand). Cytogenetic location: 7q36.1.
Variant type: single nucleotide variant.
Coding change: c.1609C>T on transcript NM_000238.4 (MANE Select); coding-DNA position 1609, C replaced by T.
Protein change: p.Arg537Trp; replaces arginine 537 with tryptophan.
Molecular consequence: missense variant.
Genome position (GRCh38, 1-based): chr7:150,951,784, G>A on the plus strand (C>T on the coding strand, the complement: KCNH2 is on the minus strand). VCF-style: chr7-150951784-G-A. GRCh37 (hg19) VCF-style: chr7-150648872-G-A.
Other names: c.1609C>T (LRG_288t1); c.589C>T, p.Arg197Trp (NM_001204798.2, NM_172057.3); c.1321C>T, p.Arg441Trp (NM_001406753.1, NM_001406756.1); c.1432C>T, p.Arg478Trp (NM_001406755.1); c.1309C>T, p.Arg437Trp (NM_001406757.1); c.1609C>T, p.Arg537Trp (NM_172056.3); short protein forms R197W, R537W, R437W, R441W, R478W.
Identifiers: ClinVar variation 67222 (VCV000067222.14), dbSNP rs199472917, ClinGen allele CA004929.
Genomic context (GRCh38, chr7:150,951,784, plus strand): 5'-AGGTGCACATGAGCAAGAACAGCACGGCCGCGCCGTACTCTGAGTAGCGATCCAGCTTCC[G>A]CGCCACGCGCACCAGCCGCAGCAGCCGCGCAGTCTTCAGCAGCCCGATCAGCTGGGGGAC-3'
Protein context (NP_000229.1, residues 527-547): ARLLRLVRVA[Arg537Trp]KLDRYSEYGA

ClinVar aggregate classification (germline): Uncertain significance. Review status: criteria provided, multiple submitters, no conflicts (2 of 4 stars). 4 submissions from 4 submitters: Uncertain significance (3). 1 of the submissions does not count toward it. Last evaluated 2026-09-07.

Conditions:
Cardiac arrhythmia. Also called: Cardiac rhythm disease; Arrhythmia. Identifiers: MedGen C0003811, MONDO:0007263, HP:0011675.
Long QT syndrome (LQTS). Identifiers: MedGen C0023976, MeSH D008133, MONDO:0002442. Disease mechanism: loss of function. Inheritance: Various modes of inheritance.
Long QT syndrome 2 (LQT2). Identifiers: Orphanet 101016, Orphanet 768, MedGen C3150943, MONDO:0013367, OMIM 613688.
Familial long QT syndrome (RWS). Also called: Romano-Ward syndrome; VENTRICULAR FIBRILLATION WITH PROLONGED QT INTERVAL; Congenital long QT syndrome. Identifiers: Orphanet 768, MedGen C1141890, MONDO:0019171.

Allele frequency attached by ClinVar (database versions not stated): gnomAD exomes below 0.00001; TOPMed below 0.00001.

Submissions (4):

MVZ Martinsried, Medicover Genetics
Classification: Uncertain significance for Long QT syndrome 2. Last evaluated: 2026-09-07. Review status: criteria provided, single submitter. Criteria: ClinGen Variant Curation SOP V3.2 + Classification Guidance July2025. Collection method: clinical testing. Allele origin: unknown. Observed: 1 heterozygote.

Labcorp Genetics (formerly Invitae), Labcorp
Classification: Uncertain significance for Long QT syndrome. Last evaluated: 2025-05-08. Review status: criteria provided, single submitter. Criteria: Invitae Variant Classification Sherloc (09022015). Collection method: clinical testing. Allele origin: germline.
Comment: This sequence change replaces arginine, which is basic and polar, with tryptophan, which is neutral and slightly polar, at codon 537 of the KCNH2 protein (p.Arg537Trp). This variant is not present in population databases (gnomAD no frequency). This missense change has been observed in individual(s) with seizures and long QT syndrome (PMID: 19184172). ClinVar contains an entry for this variant (Variation ID: 67222). An algorithm developed to predict the effect of missense changes on protein structure and function (PolyPhen-2) suggests that this variant is likely to be disruptive. In summary, the available evidence is currently insufficient to determine the role of this variant in disease. Therefore, it has been classified as a Variant of Uncertain Significance.

Color Diagnostics, LLC DBA Color Health
Classification: Uncertain significance for Cardiac arrhythmia. Last evaluated: 2020-01-10. Review status: criteria provided, single submitter. Criteria: ACMG Guidelines, 2015. Collection method: clinical testing. Allele origin: germline.
Comment: This missense variant replaces arginine with tryptophan at codon 537 of the KCNH2 protein. Computational prediction suggests that this variant may have deleterious impact on protein structure and function (internally defined REVEL score threshold >= 0.7, PMID: 27666373). Splice site prediction tools suggest that this variant may not impact RNA splicing. To our knowledge, functional studies have not been performed for this variant. This variant has been reported in compound heterozygous state with a pathogenic truncation variant in an individual affected with a severe, childhood-onset long QT syndrome (PMID: 19184172). The proband's parents were asymptomatic heterozygous carriers. This variant has not been identified in the general population by the Genome Aggregation Database (gnomAD). The available evidence is insufficient to determine the role of this variant in disease conclusively. Therefore, this variant is classified as a Variant of Uncertain Significance.

Cardiovascular Biomedical Research Unit, Royal Brompton & Harefield NHS Foundation Trust
No classification provided. Condition: Familial long QT syndrome. Review status: no classification provided. Collection method: literature only. Allele origin: germline. Not counted in ClinVar's aggregate classification.
Comment: This variant has been reported as associated with Long QT syndrome in the following publications (PMID:19184172). This is a literature report, and does not necessarily reflect the clinical interpretation of the Imperial College / Royal Brompton Cardiovascular Genetics laboratory.

Literature cited by the submitters: PubMed 19184172 (cited by Labcorp Genetics (formerly Invitae), Labcorp and Cardiovascular Biomedical Research Unit, Royal Brompton & Harefield NHS Foundation Trust); PubMed 22581653 (cited by Cardiovascular Biomedical Research Unit, Royal Brompton & Harefield NHS Foundation Trust).